The following is an entry in ClinVar:

NC_000010.11:g.(?_92483255)_(92632693_?)dup

Genes: IDE (insulin degrading enzyme; minus strand), KIF11 (kinesin family member 11; plus strand). Cytogenetic location: 10q23.33.
Variant type: Duplication.
Identifiers: ClinVar variation 832922 (VCV000832922.5).

ClinVar aggregate classification (germline): Uncertain significance (1 of 4 stars; one submission).

Submission:

Labcorp Genetics (formerly Invitae), Labcorp
Classification: Uncertain significance. Last evaluated: 2023-08-28. Review status: criteria provided, single submitter. Criteria: Invitae Variant Classification Sherloc (09022015). Collection method: clinical testing. Allele origin: germline.
Comment: In summary, the available evidence is currently insufficient to determine the role of this variant in disease. Therefore, it has been classified as a Variant of Uncertain Significance. Experimental studies and prediction algorithms are not available or were not evaluated, and the functional significance of this variant is currently unknown. This variant has not been reported in the literature in individuals affected with KIF11-related conditions. This variant results in a copy number gain of the genomic region encompassing exon(s) 1-13 of the KIF11 gene. This region includes the initiator codon of the gene. This copy number gain extends beyond the assayed region for this gene and therefore may encompass additional genes. As the precise location of this event is unknown, it may be in tandem or it may be located elsewhere in the genome.